The following is an entry in ClinVar:

ClinVar aggregate classification (germline): Likely benign. Review status: criteria provided, multiple submitters, no conflicts (2 of 4 stars). 5 submissions from 5 submitters: Likely benign (5). Last evaluated 2026-01-25.

Conditions:
Muscular dystrophy-dystroglycanopathy (congenital with brain and eye anomalies), type A13. Also called: Muscular dystrophy-dystroglycanopathy (congenital with brain and eye anomalies), type a, 13; WALKER-WARBURG SYNDROME OR MUSCLE-EYE-BRAIN DISEASE, B3GNT1-RELATED. Identifiers: Orphanet 899, MedGen C3809042, MONDO:0014120, OMIM 615287.

Allele frequency attached by ClinVar (database versions not stated): gnomAD 0.00005; TOPMed 0.00005; gnomAD exomes 0.00008 and 0.00019; ExAC 0.00012.

Submissions (5):

Labcorp Genetics (formerly Invitae), Labcorp
Classification: Likely benign for Muscular dystrophy-dystroglycanopathy (congenital with brain and eye anomalies), type A13. Last evaluated: 2026-01-25. Review status: criteria provided, single submitter. Criteria: Invitae Variant Classification Sherloc (09022015). Collection method: clinical testing. Allele origin: germline.

CeGaT Center for Human Genetics Tuebingen
Classification: Likely benign. Last evaluated: 2025-02-01. Review status: criteria provided, single submitter. Criteria: CeGaT Center For Human Genetics Tuebingen Variant Classification Criteria Version 2. Collection method: clinical testing. Allele origin: germline. Affected: yes. Observed: 2 variant alleles.
Comment: B4GAT1: BP4, BP7

Blueprint Genetics
Classification: Likely benign. Last evaluated: 2023-07-19. Review status: criteria provided, single submitter. Criteria: ACMG Guidelines, 2015. Collection method: clinical testing. Allele origin: germline.

GeneDx
Classification: Likely benign. Last evaluated: 2016-05-13. Review status: criteria provided, single submitter. Criteria: GeneDx Variant Classification (06012015). Collection method: clinical testing. Allele origin: germline. Affected: yes.
Comment: This variant is considered likely benign or benign based on one or more of the following criteria: it is a conservative change, it occurs at a poorly conserved position in the protein, it is predicted to be benign by multiple in silico algorithms, and/or has population frequency not consistent with disease.

Breakthrough Genomics
Classification: Likely benign. Review status: criteria provided, single submitter. Criteria: ACMG Guidelines, 2015. Collection method: not provided. Allele origin: germline. Inheritance: Autosomal recessive inheritance. Affected: yes.

NM_006876.3(B4GAT1):c.510C>G (p.Pro170=)

Gene: B4GAT1 (beta-1,4-glucuronyltransferase 1; minus strand). Cytogenetic location: 11q13.2.
Variant type: single nucleotide variant.
Coding change: c.510C>G on transcript NM_006876.3 (MANE Select); coding-DNA position 510, C replaced by G.
Protein change: p.Pro170=; no amino-acid change (proline 170 retained).
Molecular consequence: synonymous variant.
Genome position (GRCh38, 1-based): chr11:66,347,036, G>C on the plus strand (C>G on the coding strand, the complement: B4GAT1 is on the minus strand). VCF-style: chr11-66347036-G-C. GRCh37 (hg19) VCF-style: chr11-66114507-G-C.
Identifiers: ClinVar variation 420984 (VCV000420984.34), dbSNP rs761777602, ClinGen allele CA6120550.